The following is an entry in ClinVar:

NM_001378615.1(CC2D2A):c.541-25G>T

Genes: CC2D2A (coiled-coil and C2 domain containing 2A; plus strand), FBXL5 (F-box and leucine rich repeat protein 5; minus strand). Cytogenetic location: 4p15.32.
Variant type: single nucleotide variant.
Coding change: c.541-25G>T on transcript NM_001378615.1 (MANE Select); 25 bases into the intron before coding-DNA position 541, G replaced by T.
Molecular consequence: intron variant.
Genome position (GRCh38, 1-based): chr4:15,511,222, G>T. VCF-style: chr4-15511222-G-T. GRCh37 (hg19) VCF-style: chr4-15512845-G-T.
Other names: p.?; c.541-25G>T (NM_001080522.2); c.394-25G>T (NM_001378617.1).
Identifiers: ClinVar variation 126246 (VCV000126246.11), dbSNP rs16892080, ClinGen allele CA150885.

ClinVar aggregate classification (germline): Benign. Review status: criteria provided, multiple submitters, no conflicts (2 of 4 stars). 5 submissions from 5 submitters: Benign (4). 1 of the submissions does not count toward it. Last evaluated 2022-05-05.

Allele frequency attached by ClinVar (database versions not stated): gnomAD exomes 0.00965; ExAC 0.02135; 1000 Genomes Project 0.03834; 1000 Genomes Project 30x 0.03951; gnomAD 0.04146 and 0.04468; ESP Exome Variant Server 0.04294; TOPMed 0.04719.
gnomAD v4.1: 12,124 of 1,575,272 alleles (0.77%); highest among the groups gnomAD compares: African/African-American, 14%; 825 homozygotes.

Submissions (5):

Mayo Clinic Laboratories, Mayo Clinic
Classification: Benign. Last evaluated: 2022-05-05. Review status: criteria provided, single submitter. Criteria: ACMG Guidelines, 2015. Collection method: clinical testing. Allele origin: germline. Observed: 35 variant alleles.

GeneDx
Classification: Benign. Last evaluated: 2018-06-26. Review status: criteria provided, single submitter. Criteria: GeneDx Variant Classification Process June 2021. Collection method: clinical testing. Allele origin: germline. Affected: yes.

Breakthrough Genomics
Classification: Benign. Review status: criteria provided, single submitter. Criteria: ACMG Guidelines, 2015. Collection method: not provided. Allele origin: germline. Inheritance: Autosomal recessive inheritance. Affected: yes.

PreventionGenetics, part of Exact Sciences
Classification: Benign. Review status: criteria provided, single submitter. Criteria: ACMG Guidelines, 2015. Collection method: clinical testing. Allele origin: germline.

Genetic Services Laboratory, University of Chicago
Classification: Likely benign for AllHighlyPenetrant. Review status: no assertion criteria provided. Collection method: clinical testing. Allele origin: germline. Inheritance: Autosomal recessive inheritance. Observed: 12 variant alleles. Not counted in ClinVar's aggregate classification.
Comment: Likely benign based on allele frequency in 1000 Genomes Project or ESP global frequency and its presence in a patient with a rare or unrelated disease phenotype. NOT Sanger confirmed.